The following is an entry in ClinVar:

ClinVar aggregate classification (germline): Uncertain significance (1 of 4 stars; one submission).

Allele frequency attached by ClinVar (database versions not stated): gnomAD exomes below 0.00001; ExAC 0.00001.
gnomAD v4.1: 1 of 1,613,618 alleles (0.000062%); highest among the groups gnomAD compares: Non-Finnish European, 0.000085%; no homozygotes.

Submission:

CeGaT Center for Human Genetics Tuebingen
Classification: Uncertain significance. Last evaluated: 2023-08-01. Review status: criteria provided, single submitter. Criteria: CeGaT Center For Human Genetics Tuebingen Variant Classification Criteria Version 2. Collection method: clinical testing. Allele origin: germline. Affected: yes. Observed: 1 variant allele.
Comment: HYDIN: PM2, BP4

NM_001270974.2(HYDIN):c.6578G>C (p.Ser2193Thr)

Gene: HYDIN (HYDIN axonemal central pair apparatus protein; minus strand). Cytogenetic location: 16q22.2.
Variant type: single nucleotide variant.
Coding change: c.6578G>C on transcript NM_001270974.2 (MANE Select); coding-DNA position 6578, G replaced by C.
Protein change: p.Ser2193Thr; replaces serine 2193 with threonine.
Molecular consequence: missense variant.
Genome position (GRCh38, 1-based): chr16:70,943,903, C>G on the plus strand (G>C on the coding strand, the complement: HYDIN is on the minus strand). VCF-style: chr16-70943903-C-G. GRCh37 (hg19) VCF-style: chr16-70977806-C-G.
Other names: short protein forms S2193T.
Identifiers: ClinVar variation 2646753 (VCV002646753.24), dbSNP rs746471423, ClinGen allele CA8150238.